The following is an entry in ClinVar:

ClinVar aggregate classification (germline): Likely benign. Review status: criteria provided, multiple submitters, no conflicts (2 of 4 stars). 3 submissions from 3 submitters: Likely benign (2). 1 of the submissions does not count toward it. Last evaluated 2025-08-01.

Conditions:
LFNG-related disorder. Also called: LFNG-related condition.

Allele frequency attached by ClinVar (database versions not stated): 1000 Genomes Project 0.00060; 1000 Genomes Project 30x 0.00062; ESP Exome Variant Server 0.00233.
gnomAD v4.1: 3,172 of 1,598,366 alleles (0.2%); highest among the groups gnomAD compares: Non-Finnish European, 0.24%; 3 homozygotes.

Submissions (3):

CeGaT Center for Human Genetics Tuebingen
Classification: Likely benign. Last evaluated: 2025-08-01. Review status: criteria provided, single submitter. Criteria: CeGaT Center For Human Genetics Tuebingen Variant Classification Criteria Version 2. Collection method: clinical testing. Allele origin: germline. Affected: yes. Observed: 2 variant alleles.
Comment: LFNG: BP4, BP7

Blueprint Genetics
Classification: Likely benign. Last evaluated: 2024-11-12. Review status: criteria provided, single submitter. Criteria: ACMG Guidelines, 2015. Collection method: clinical testing. Allele origin: germline.

PreventionGenetics, part of Exact Sciences
Classification: Likely benign for LFNG-related condition. Last evaluated: 2023-12-15. Review status: no assertion criteria provided. Collection method: clinical testing. Allele origin: germline. Not counted in ClinVar's aggregate classification.
Comment: This variant is classified as likely benign based on ACMG/AMP sequence variant interpretation guidelines (Richards et al. 2015 PMID: 25741868, with internal and published modifications).

NM_002304.3(LFNG):c.27G>T (p.Ala9=)

Gene: LFNG (LFNG O-fucosylpeptide 3-beta-N-acetylglucosaminyltransferase; plus strand). Cytogenetic location: 7p22.3.
Variant type: single nucleotide variant.
Coding change: c.27G>T on transcript NM_002304.3; coding-DNA position 27, G replaced by T.
Protein change: p.Ala9=; no amino-acid change (alanine 9 retained).
Molecular consequence: synonymous variant. On other transcripts: intron variant (1).
Genome position (GRCh38, 1-based): chr7:2,518,580, G>T. VCF-style: chr7-2518580-G-T. GRCh37 (hg19) VCF-style: chr7-2558214-G-T.
Other names: c.219+5252G>T (NM_001166355.2).
Identifiers: ClinVar variation 2657231 (VCV002657231.24), dbSNP rs143245520, ClinGen allele CA4126876.